The following is an entry in ClinVar:

NM_001042492.3(NF1):c.4321_4322insATT (p.Lys1440_Leu1441insTyr)

Gene: NF1 (neurofibromin 1; plus strand). Cytogenetic location: 17q11.2.
Variant type: Insertion.
Coding change: c.4321_4322insATT on transcript NM_001042492.3 (MANE Select); coding-DNA positions 4321 to 4322, ATT inserted.
Protein change: p.Lys1440_Leu1441insTyr.
Molecular consequence: inframe insertion. On other transcripts: inframe indel (1).
Genome position: GRCh38 VCF-style: chr17-31258490-G-GTAT. GRCh37 (hg19) VCF-style: chr17-29585508-G-GTAT.
Other names: c.4258_4259insATT, p.Lys1419_Leu1420insTyr (NM_000267.4).
Identifiers: ClinVar variation 3723517 (VCV003723517.2).

ClinVar aggregate classification (germline): Likely pathogenic (1 of 4 stars; one submission).

Conditions:
Neurofibromatosis, type 1 (NF1). Also called: VON RECKLINGHAUSEN DISEASE; NEUROFIBROMATOSIS, TYPE I, SOMATIC; Peripheral type neurofibromatosis; Neurofibromatosis, type I. Identifiers: Orphanet 636, MedGen C0027831, MONDO:0018975, OMIM 162200. Disease mechanism: loss of function.

Submission:

Labcorp Genetics (formerly Invitae), Labcorp
Classification: Likely pathogenic for Neurofibromatosis, type 1. Last evaluated: 2025-02-03. Review status: criteria provided, single submitter. Criteria: Invitae Variant Classification Sherloc (09022015). Collection method: clinical testing. Allele origin: germline.
Comment: This variant, c.4258_4259insATT, results in the insertion of 1 amino acid(s) of the NF1 protein (p.Lys1419_Leu1420insTyr), but otherwise preserves the integrity of the reading frame. This variant is not present in population databases (gnomAD no frequency). This variant has been observed in individual(s) with clinical features of neurofibromatosis type 1 (internal data). In at least one individual the variant was observed to be de novo. In summary, the currently available evidence indicates that the variant is pathogenic, but additional data are needed to prove that conclusively. Therefore, this variant has been classified as Likely Pathogenic.